The following is an entry in ClinVar:

NM_000350.3(ABCA4):c.1356+11_1356+12insG

Gene: ABCA4 (ATP binding cassette subfamily A member 4; minus strand). Cytogenetic location: 1p22.1.
Variant type: Insertion.
Coding change: c.1356+11_1356+12insG on transcript NM_000350.3 (MANE Select); bases 11 to 12 of the intron after coding-DNA position 1356, G inserted.
Molecular consequence: intron variant.
Genome position: GRCh38 VCF-style: chr1-94078578-A-AC. GRCh37 (hg19) VCF-style: chr1-94544134-A-AC.
Identifiers: ClinVar variation 1180314 (VCV001180314.6), dbSNP rs1557794244, ClinGen allele CA524389037.

ClinVar aggregate classification (germline): Likely benign. Review status: reviewed by expert panel (3 of 4 stars). 3 submissions from 3 submitters: Likely benign (1). 2 of the submissions do not count toward it. Last evaluated 2026-05-26.

Conditions:
ABCA4-related retinopathy. Also called: ABCA4 retinoapthy; ABCA4-related retinoapthy. Identifiers: MedGen CN322612, MONDO:0800406.

Allele frequency attached by ClinVar (database versions not stated): gnomAD exomes 0.00001 and 0.00002; gnomAD 0.00065.

Submissions (3):

ClinGen ABCA4 Variant Curation Expert Panel, Clingen
Classification: Likely benign for ABCA4-related retinopathy. Last evaluated: 2026-05-26. Review status: reviewed by expert panel. Criteria: ClinGen ABCA4 ACMG Specifications V1.0.0. Collection method: curation. Allele origin: germline. Inheritance: Autosomal recessive inheritance.
Comment: The NM_000350.3(ABCA4):c.1356+11_1356+12insG variant in ABCA4 is an intronic variant which is located in intron 10. The total minor allele frequency in gnomAD v4.1.0 is 0.00004320 (33/763920 alleles), which is lower than the ClinGen ABCA4 VCEP’s threshold for PM2_Supporting (<0.0001); however, this is a low-quality site so PM2_Supporting was not applied. This intronic variant is not located within either of the regions immediately flanking the exon (between +1 and +7 or between -1 and -21), and the SpliceAI delta score of 0.02 for acceptor and donor gain, which is below the ClinGen ABCA4 VCEP BP7 threshold of <0.1 meeting BP7_Moderate. In summary, this variant meets the criteria to be classified as likely benign for ABCA4-related retinopathy based on the ACMG/AMP criteria applied, as specified by the ClinGen ABCA4 VCEP (Specification Version 1.0.0): BP7_Moderate.

Labcorp Genetics (formerly Invitae), Labcorp
Classification: Likely benign. Last evaluated: 2023-10-29. Review status: criteria provided, single submitter. Criteria: Invitae Variant Classification Sherloc (09022015). Collection method: clinical testing. Allele origin: germline. Not counted in ClinVar's aggregate classification.

GeneDx
Classification: Benign. Last evaluated: 2015-03-03. Review status: criteria provided, single submitter. Criteria: GeneDx Variant Classification Process June 2021. Collection method: clinical testing. Allele origin: germline. Affected: yes. Not counted in ClinVar's aggregate classification.